The following is an entry in ClinVar:

ClinVar aggregate classification (germline): Likely benign (1 of 4 stars; one submission).

Allele frequency attached by ClinVar (database versions not stated): 1000 Genomes Project 0.00280; 1000 Genomes Project 30x 0.00297; gnomAD 0.00333 and 0.00355; TOPMed 0.00377.
gnomAD v4.1: 504 of 152,306 alleles (0.33%); highest among the groups gnomAD compares: African/African-American, 1.1%; 1 homozygote.

Submission:

GeneDx
Classification: Likely benign. Last evaluated: 2018-06-14. Review status: criteria provided, single submitter. Criteria: GeneDx Variant Classification (06012015). Collection method: clinical testing. Allele origin: germline. Affected: yes.
Comment: This variant is considered likely benign or benign based on one or more of the following criteria: it is a conservative change, it occurs at a poorly conserved position in the protein, it is predicted to be benign by multiple in silico algorithms, and/or has population frequency not consistent with disease.

NM_004612.4(TGFBR1):c.1256-253A>G

Gene: TGFBR1 (transforming growth factor beta receptor 1; plus strand). Cytogenetic location: 9q22.33.
Variant type: single nucleotide variant.
Coding change: c.1256-253A>G on transcript NM_004612.4 (MANE Select); 253 bases into the intron before coding-DNA position 1256, A replaced by G.
Molecular consequence: intron variant.
Genome position (GRCh38, 1-based): chr9:99,147,401, A>G. VCF-style: chr9-99147401-A-G. GRCh37 (hg19) VCF-style: chr9-101909683-A-G.
Other names: c.1268-253A>G (NM_001306210.2); c.1025-253A>G (NM_001130916.3).
Identifiers: ClinVar variation 672980 (VCV000672980.1), dbSNP rs11466474, ClinGen allele CA196894721.
Genomic context (GRCh38, chr9:99,147,401, plus strand): 5'-AATCTCATTTGCTGCACAATAGGGTTCTAGGGGAAAATGTCAATCTGGTCATCACAGCTC[A>G]TAGTTTACTGTCATTTCAAATAGGCTTTATTGATCTCATGGCAATACTTAGTTTCAAGGT-3'